The following is an entry in ClinVar:

ClinVar aggregate classification (germline): Benign. Review status: criteria provided, multiple submitters, no conflicts (2 of 4 stars). 2 submissions from 2 submitters: Benign (2). Last evaluated 2018-06-14.

Allele frequency attached by ClinVar (database versions not stated): 1000 Genomes Project 30x 0.94894; 1000 Genomes Project 0.95168; TOPMed 0.95615; gnomAD 0.96506 and 0.96534.
gnomAD v4.1: 146,857 of 152,090 alleles (97%); highest among the groups gnomAD compares: Non-Finnish European, 100%; 71,015 homozygotes.

Submissions (2):

GeneDx
Classification: Benign. Last evaluated: 2018-06-14. Review status: criteria provided, single submitter. Criteria: GeneDx Variant Classification (06012015). Collection method: clinical testing. Allele origin: germline. Affected: yes.
Comment: This variant is considered likely benign or benign based on one or more of the following criteria: it is a conservative change, it occurs at a poorly conserved position in the protein, it is predicted to be benign by multiple in silico algorithms, and/or has population frequency not consistent with disease.

Breakthrough Genomics
Classification: Benign. Review status: criteria provided, single submitter. Criteria: ACMG Guidelines, 2015. Collection method: not provided. Allele origin: germline. Inheritance: Autosomal dominant inheritance. Affected: yes.

NM_001103.4(ACTN2):c.537-197A>G

Gene: ACTN2 (actinin alpha 2; plus strand). Cytogenetic location: 1q43.
Variant type: single nucleotide variant.
Coding change: c.537-197A>G on transcript NM_001103.4 (MANE Select); 197 bases into the intron before coding-DNA position 537, A replaced by G.
Molecular consequence: intron variant.
Genome position (GRCh38, 1-based): chr1:236,727,481, A>G. VCF-style: chr1-236727481-A-G. GRCh37 (hg19) VCF-style: chr1-236890781-A-G.
Other names: c.-285-197A>G (NM_001278344.2); c.537-197A>G (NM_001278343.2).
Identifiers: ClinVar variation 672002 (VCV000672002.2), dbSNP rs1768056, ClinGen allele CA39715281.